The following is an entry in ClinVar:

ClinVar aggregate classification (germline): Pathogenic. Review status: criteria provided, multiple submitters, no conflicts (2 of 4 stars). 5 submissions from 5 submitters: Pathogenic (4). 1 of the submissions does not count toward it. Last evaluated 2025-10-30.

Conditions:
Phenylketonuria (PKU). Also called: Phenylketonurias; OLIGOPHRENIA PHENYLPYRUVICA; FOLLING DISEASE; Phenylketonuria (PKU). Identifiers: Orphanet 716, MedGen C0031485, MONDO:0009861, OMIM 261600. Disease mechanism: loss of function.

Allele frequency attached by ClinVar (database versions not stated): TOPMed 0.00006.
gnomAD v4.1: 10 of 1,613,908 alleles (0.00062%); highest among the groups gnomAD compares: East Asian, 0.02%; no homozygotes.

Submissions (5):

Natera, Inc.
Classification: Pathogenic for Phenylketonuria. Last evaluated: 2025-10-30. Review status: criteria provided, single submitter. Criteria: Natera Variant Classification Schema (03/2026). Collection method: clinical testing. Allele origin: germline.
Comment: The c.510T>A variant in PAH is a missense variant predicted to cause substitution of histidine to glutamine at amino acid 170. This variant is rare in the general population with a frequency below the threshold expected for the associated phenotype(s). This variant has been observed in one or more individuals affected with the associated recessive disease, as either homozygous or compound heterozygous with a second variant (PMID: 28754886, 26600521). A different variant at the same position has been determined to be Pathogenic or Likely Pathogenic. Computational prediction algorithms indicate this variant is likely to affect gene or protein function. Given the available evidence, this variant is classified as Pathogenic.

Labcorp Genetics (formerly Invitae), Labcorp
Classification: Pathogenic for Phenylketonuria. Last evaluated: 2024-02-19. Review status: criteria provided, single submitter. Criteria: Invitae Variant Classification Sherloc (09022015). Collection method: clinical testing. Allele origin: germline.
Comment: This sequence change replaces histidine, which is basic and polar, with glutamine, which is neutral and polar, at codon 170 of the PAH protein (p.His170Gln). This variant is present in population databases (rs199475652, gnomAD 0.006%). This missense change has been observed in individual(s) with phenylketonuria (PMID: 12501224, 23932990, 26600521, 27264808). ClinVar contains an entry for this variant (Variation ID: 102715). An algorithm developed to predict the effect of missense changes on protein structure and function (PolyPhen-2) suggests that this variant is likely to be disruptive. Experimental studies have shown that this missense change affects PAH function (PMID: 18538294). Experimental studies and prediction algorithms are not available or were not evaluated, and the effect of this variant on mRNA splicing is currently unknown. This variant disrupts the p.His170 amino acid residue in PAH. Other variant(s) that disrupt this residue have been determined to be pathogenic (PMID: 11385716, 12971421, 15557004, 17935162). This suggests that this residue is clinically significant, and that variants that disrupt this residue are likely to be disease-causing. For these reasons, this variant has been classified as Pathogenic.

Women's Health and Genetics/Laboratory Corporation of America, LabCorp
Classification: Pathogenic for Phenylketonuria. Last evaluated: 2022-03-01. Review status: criteria provided, single submitter. Criteria: LabCorp Variant Classification Summary - May 2015. Collection method: clinical testing. Allele origin: germline.
Comment: Variant summary: PAH c.510T>A (p.His170Gln) results in a non-conservative amino acid change located in the Aromatic amino acid hydroxylase, C-terminal domain of the encoded protein sequence. Four of five in-silico tools predict a damaging effect of the variant on protein function. The variant allele was found at a frequency of 4e-06 in 250966 control chromosomes. c.510T>A has been reported in the literature in individuals affected with Phenylalanine Hydroxylase Deficiency (Phenylketonuria; examples: Muntau_2002, Liu_2015, Zhu_2013). At least one publication reports experimental evidence evaluating an impact on protein function and reports the variant to result in altered enzyme-kinetic parameters, oligomerization, and protein stability (Gersting_2008). Two clinical diagnostic laboratories have submitted clinical-significance assessments for this variant to ClinVar after 2014 without evidence for independent evaluation. All laboratories classified the variant as pathogenic. Based on the evidence outlined above, the variant was classified as pathogenic.

Juno Genomics, Hangzhou Juno Genomics, Inc
Classification: Pathogenic for Phenylketonuria. Review status: criteria provided, single submitter. Criteria: ACMG Guidelines, 2015. Collection method: clinical testing. Allele origin: germline.
Comment: Same amino acid change as a previously established pathogenic variant regardless of nucleotide change.;Multiple lines of computational evidence support a deleterious effect on the gene or gene product.;For recessive disorders, detected in trans with a pathogenic variant.;Patient's phenotype or family history is highly specific for a disease with a single genetic etiology.

DeBelle Laboratory for Biochemical Genetics, MUHC/MCH RESEARCH INSTITUTE
No classification provided. Review status: no classification provided. Collection method: not provided. Allele origin: not provided. Not counted in ClinVar's aggregate classification.

Literature cited by the submitters: PubMed 28754886 (cited by Natera, Inc.); PubMed 26600521 (cited by 3 submitters); PubMed 12501224 (cited by Labcorp Genetics (formerly Invitae), Labcorp and Women's Health and Genetics/Laboratory Corporation of America, LabCorp); PubMed 23932990 (cited by Labcorp Genetics (formerly Invitae), Labcorp and Women's Health and Genetics/Laboratory Corporation of America, LabCorp); PubMed 27264808 (cited by Labcorp Genetics (formerly Invitae), Labcorp); PubMed 18538294 (cited by Labcorp Genetics (formerly Invitae), Labcorp and Women's Health and Genetics/Laboratory Corporation of America, LabCorp); PubMed 11385716 (cited by Labcorp Genetics (formerly Invitae), Labcorp); PubMed 12971421 (cited by Labcorp Genetics (formerly Invitae), Labcorp); PubMed 15557004 (cited by Labcorp Genetics (formerly Invitae), Labcorp); PubMed 17935162 (cited by Labcorp Genetics (formerly Invitae), Labcorp).

NM_000277.3(PAH):c.510T>A (p.His170Gln)

Gene: PAH (phenylalanine hydroxylase; minus strand). Cytogenetic location: 12q23.2.
Variant type: single nucleotide variant.
Coding change: c.510T>A on transcript NM_000277.3 (MANE Select); coding-DNA position 510, T replaced by A.
Protein change: p.His170Gln; replaces histidine 170 with glutamine.
Molecular consequence: missense variant.
Genome position (GRCh38, 1-based): chr12:102,855,332, A>T on the plus strand (T>A on the coding strand, the complement: PAH is on the minus strand). VCF-style: chr12-102855332-A-T. GRCh37 (hg19) VCF-style: chr12-103249110-A-T.
Other names: c.510T>A (NM_000277.2); c.510T>A, p.His170Gln (NM_001354304.2); short protein forms H170Q.
Identifiers: ClinVar variation 102715 (VCV000102715.18), dbSNP rs199475652, ClinGen allele CA229597.